The following is an entry in ClinVar:

NM_001190274.2(FBXO11):c.1204C>T (p.His402Tyr)

Gene: FBXO11 (F-box protein 11; minus strand). Cytogenetic location: 2p16.3.
Variant type: single nucleotide variant.
Coding change: c.1204C>T on transcript NM_001190274.2 (MANE Select); coding-DNA position 1204, C replaced by T.
Protein change: p.His402Tyr; replaces histidine 402 with tyrosine.
Molecular consequence: missense variant.
Genome position (GRCh38, 1-based): chr2:47,832,628, G>A on the plus strand (C>T on the coding strand, the complement: FBXO11 is on the minus strand). VCF-style: chr2-47832628-G-A. GRCh37 (hg19) VCF-style: chr2-48059767-G-A.
Other names: c.952C>T, p.His318Tyr (NM_001374325.1, NM_025133.4); short protein forms H318Y, H402Y.
Identifiers: ClinVar variation 2896843 (VCV002896843.3), dbSNP rs372931175, ClinGen allele CA1649899.

ClinVar aggregate classification (germline): Uncertain significance (1 of 4 stars; one submission).

Allele frequency attached by ClinVar (database versions not stated): gnomAD exomes below 0.00001; ExAC 0.00001; ESP Exome Variant Server 0.00008.
gnomAD v4.1: 5 of 1,613,954 alleles (0.00031%); highest among the groups gnomAD compares: African/African-American, 0.0027%; no homozygotes.

Submission:

Labcorp Genetics (formerly Invitae), Labcorp
Classification: Uncertain significance. Last evaluated: 2023-08-23. Review status: criteria provided, single submitter. Criteria: Invitae Variant Classification Sherloc (09022015). Collection method: clinical testing. Allele origin: germline.
Comment: This variant is present in population databases (rs372931175, gnomAD 0.007%). This variant has not been reported in the literature in individuals affected with FBXO11-related conditions. An algorithm developed to predict the effect of missense changes on protein structure and function (PolyPhen-2) suggests that this variant is likely to be tolerated. In summary, the available evidence is currently insufficient to determine the role of this variant in disease. Therefore, it has been classified as a Variant of Uncertain Significance. This sequence change replaces histidine, which is basic and polar, with tyrosine, which is neutral and polar, at codon 402 of the FBXO11 protein (p.His402Tyr).